The following is an entry in ClinVar:

ClinVar aggregate classification (germline): Likely benign. Review status: criteria provided, multiple submitters, no conflicts (2 of 4 stars). 3 submissions from 3 submitters: Likely benign (3). Last evaluated 2026-01-15.

Conditions:
Dilated cardiomyopathy 1G (CMD1G). Identifiers: Orphanet 154, MedGen C1858763, MONDO:0011400, OMIM 604145.
Autosomal recessive limb-girdle muscular dystrophy type 2J (LGMDR10). Also called: MUSCULAR DYSTROPHY, LIMB-GIRDLE, AUTOSOMAL RECESSIVE 10; Limb-girdle muscular dystrophy, type 2J. Identifiers: Orphanet 140922, MedGen C1837342, MONDO:0012127, OMIM 608807.

Allele frequency attached by ClinVar (database versions not stated): gnomAD exomes 0.00006; ExAC 0.00007; gnomAD 0.00037 and 0.00039; 1000 Genomes Project 0.00040; ESP Exome Variant Server 0.00042; TOPMed 0.00047; 1000 Genomes Project 30x 0.00062.
gnomAD v4.1: 110 of 1,610,496 alleles (0.0068%); highest among the groups gnomAD compares: African/African-American, 0.14%; no homozygotes.

Submissions (3):

Labcorp Genetics (formerly Invitae), Labcorp
Classification: Likely benign for Dilated cardiomyopathy 1G; Autosomal recessive limb-girdle muscular dystrophy type 2J. Last evaluated: 2026-01-15. Review status: criteria provided, single submitter. Criteria: Invitae Variant Classification Sherloc (09022015). Collection method: clinical testing. Allele origin: germline.

Women's Health and Genetics/Laboratory Corporation of America, LabCorp
Classification: Likely benign. Last evaluated: 2024-11-15. Review status: criteria provided, single submitter. Criteria: LabCorp Variant Classification Summary - May 2015. Collection method: clinical testing. Allele origin: germline.

GeneDx
Classification: Likely benign. Last evaluated: 2018-06-05. Review status: criteria provided, single submitter. Criteria: GeneDx Variant Classification (06012015). Collection method: clinical testing. Allele origin: germline. Affected: yes.
Comment: This variant is considered likely benign or benign based on one or more of the following criteria: it is a conservative change, it occurs at a poorly conserved position in the protein, it is predicted to be benign by multiple in silico algorithms, and/or has population frequency not consistent with disease.

NM_001267550.2(TTN):c.64973-20T>G

Genes: TTN (titin; minus strand), TTN-AS1 (TTN antisense RNA 1; plus strand). Cytogenetic location: 2q31.2.
Variant type: single nucleotide variant.
Coding change: c.64973-20T>G on transcript NM_001267550.2 (MANE Select); 20 bases into the intron before coding-DNA position 64973, T replaced by G.
Molecular consequence: intron variant. On other transcripts: non-coding transcript variant (1).
Genome position (GRCh38, 1-based): chr2:178,584,598, A>C on the plus strand (T>G on the coding strand, the complement: TTN is on the minus strand). VCF-style: chr2-178584598-A-C. GRCh37 (hg19) VCF-style: chr2-179449325-A-C.
Other names: c.37778-20T>G (NM_003319.4); c.38354-20T>G (NM_133437.4); c.38153-20T>G (NM_133432.3); c.57269-20T>G (NM_133378.4); c.60050-20T>G (NM_001256850.1).
Identifiers: ClinVar variation 678982 (VCV000678982.10), dbSNP rs185009265, ClinGen allele CA1991805.